The following is an entry in ClinVar:

NM_020975.6(RET):c.3039+2T>G

Gene: RET (ret proto-oncogene; plus strand). Cytogenetic location: 10q11.21.
Variant type: single nucleotide variant.
Coding change: c.3039+2T>G on transcript NM_020975.6 (MANE Select); the canonical splice donor site of the intron after coding-DNA position 3039, T replaced by G.
Molecular consequence: splice donor variant.
Genome position (GRCh38, 1-based): chr10:43,124,984, T>G. VCF-style: chr10-43124984-T-G. GRCh37 (hg19) VCF-style: chr10-43620432-T-G.
Other names: c.3039+2T>G (NM_020630.7, NM_001406743.1, NM_001406744.1 and 2 more transcripts); c.2904+2T>G (NM_001406765.1, NM_001406763.1); c.2643+2T>G (NM_001406772.1, NM_001406769.1); c.2601+2T>G (NM_001406773.1, NM_001406771.1); c.2142+2T>G (NM_001406782.1, NM_001406780.1, NM_001406779.1 and 1 more transcripts); c.2007+2T>G (NM_001406787.1); c.2022+2T>G (NM_001406785.1); c.2910+2T>G (NM_001406764.1, NM_001406762.1, NM_001406761.1); and 10 more.
Identifiers: ClinVar variation 3313742 (VCV003313742.1).

ClinVar aggregate classification (germline): Uncertain significance (1 of 4 stars; one submission).

Conditions:
Hereditary cancer-predisposing syndrome. Also called: Neoplastic Syndromes, Hereditary; Tumor predisposition; Hereditary neoplastic syndrome; Hereditary Cancer Syndrome. Identifiers: Orphanet 140162, MedGen C0027672, MeSH D009386, MONDO:0015356.

gnomAD v4.1: 2 of 1,613,688 alleles (0.00012%); highest among the groups gnomAD compares: Non-Finnish European, 0.00017%; no homozygotes.

Submission:

Ambry Genetics
Classification: Uncertain significance for Hereditary cancer-predisposing syndrome. Last evaluated: 2024-06-24. Review status: criteria provided, single submitter. Criteria: Ambry Variant Classification Scheme 2023. Collection method: clinical testing. Allele origin: germline.
Comment: The c.3039+2T>G intronic variant results from a T to G substitution two nucleotides after coding exon 18 in the RET gene. Alterations that disrupt the canonical splice site are expected to result in aberrant splicing. In silico splice site analysis predicts that this alteration will weaken the native splice donor site and will result in the creation or strengthening of a novel splice donor site. The resulting transcript is predicted to be in-frame and is not expected to trigger nonsense-mediated mRNAdecay; however, direct evidence is unavailable. The exact functional effect of the altered amino acid sequence is unknown. This nucleotide position is highly conserved in available vertebrate species. Based on the available evidence, the clinical significance of this variant remains unclear.